The following is an entry in ClinVar:

ClinVar aggregate classification (germline): Uncertain significance (1 of 4 stars; one submission).

Conditions:
Cardiovascular phenotype. Identifiers: MedGen CN230736.

gnomAD v4.1: 1 of 1,614,110 alleles (0.000062%); highest among the groups gnomAD compares: Non-Finnish European, 0.000085%; no homozygotes.

Submission:

Ambry Genetics
Classification: Uncertain significance for Cardiovascular phenotype. Last evaluated: 2024-11-01. Review status: criteria provided, single submitter. Criteria: Ambry Variant Classification Scheme 2023. Collection method: clinical testing. Allele origin: germline.
Comment: The p.E1322G variant (also known as c.3965A>G), located in coding exon 26 of the MYH6 gene, results from an A to G substitution at nucleotide position 3965. The glutamic acid at codon 1322 is replaced by glycine, an amino acid with similar properties. This amino acid position is conserved. In addition, the in silico prediction for this alteration is inconclusive. Based on the available evidence, the clinical significance of this variant remains unclear.

NM_002471.4(MYH6):c.3965A>G (p.Glu1322Gly)

Gene: MYH6 (myosin heavy chain 6; minus strand). Cytogenetic location: 14q11.2.
Variant type: single nucleotide variant.
Coding change: c.3965A>G on transcript NM_002471.4 (MANE Select); coding-DNA position 3965, A replaced by G.
Protein change: p.Glu1322Gly; replaces glutamic acid 1322 with glycine.
Molecular consequence: missense variant.
Genome position (GRCh38, 1-based): chr14:23,389,406, T>C on the plus strand (A>G on the coding strand, the complement: MYH6 is on the minus strand). VCF-style: chr14-23389406-T-C. GRCh37 (hg19) VCF-style: chr14-23858615-T-C.
Other names: short protein forms E1322G.
Identifiers: ClinVar variation 3400897 (VCV003400897.1).